The following is an entry in ClinVar:

ClinVar aggregate classification (germline): Uncertain significance (1 of 4 stars; one submission).

Conditions:
Sphingolipid activator protein 1 deficiency. Also called: METACHROMATIC LEUKODYSTROPHY DUE TO CEREBROSIDE SULFATASE ACTIVATOR DEFICIENCY; Metachromatic leukodystrophy due to saposin B deficiency; Saposin B Deficiency. Identifiers: Orphanet 512, MedGen C0268262, MONDO:0009590, OMIM 249900.

Allele frequency attached by ClinVar (database versions not stated): gnomAD exomes below 0.00001.
gnomAD v4.1: 4 of 1,613,816 alleles (0.00025%); highest among the groups gnomAD compares: East Asian, 0.0022%; no homozygotes.

Submission:

Labcorp Genetics (formerly Invitae), Labcorp
Classification: Uncertain significance for Sphingolipid activator protein 1 deficiency. Last evaluated: 2021-05-14. Review status: criteria provided, single submitter. Criteria: Invitae Variant Classification Sherloc (09022015). Collection method: clinical testing. Allele origin: germline.
Comment: In summary, the available evidence is currently insufficient to determine the role of this variant in disease. Therefore, it has been classified as a Variant of Uncertain Significance. Algorithms developed to predict the effect of missense changes on protein structure and function are either unavailable or do not agree on the potential impact of this missense change (SIFT: "Not Available"; PolyPhen-2: "Probably Damaging"; Align-GVGD: "Not Available"). This variant has not been reported in the literature in individuals with PSAP-related conditions. This variant is not present in population databases (ExAC no frequency). This sequence change replaces aspartic acid with glycine at codon 111 of the PSAP protein (p.Asp111Gly). The aspartic acid residue is moderately conserved and there is a moderate physicochemical difference between aspartic acid and glycine.

NM_002778.4(PSAP):c.332A>G (p.Asp111Gly)

Gene: PSAP (prosaposin; minus strand). Cytogenetic location: 10q22.1.
Variant type: single nucleotide variant.
Coding change: c.332A>G on transcript NM_002778.4 (MANE Select); coding-DNA position 332, A replaced by G.
Protein change: p.Asp111Gly; replaces aspartic acid 111 with glycine.
Molecular consequence: missense variant.
Genome position (GRCh38, 1-based): chr10:71,831,169, T>C on the plus strand (A>G on the coding strand, the complement: PSAP is on the minus strand). VCF-style: chr10-71831169-T-C. GRCh37 (hg19) VCF-style: chr10-73590926-T-C.
Other names: c.332A>G, p.Asp111Gly (NM_001042465.3, NM_001042466.3); short protein forms D111G.
Identifiers: ClinVar variation 1504146 (VCV001504146.6), dbSNP rs1342627732, ClinGen allele CA377153566.